The following is an entry in ClinVar:

NM_020436.5(SALL4):c.2491C>T (p.Arg831Ter)

Gene: SALL4 (spalt like transcription factor 4; minus strand). Cytogenetic location: 20q13.2.
Variant type: single nucleotide variant.
Coding change: c.2491C>T on transcript NM_020436.5 (MANE Select); coding-DNA position 2491, C replaced by T.
Protein change: p.Arg831Ter; replaces arginine 831 with a stop codon.
Molecular consequence: nonsense.
Genome position (GRCh38, 1-based): chr20:51,789,112, G>A on the plus strand (C>T on the coding strand, the complement: SALL4 is on the minus strand). VCF-style: chr20-51789112-G-A. GRCh37 (hg19) VCF-style: chr20-50405651-G-A.
Other names: c.2491C>T (LRG_675t1); c.1180C>T, p.Arg394Ter (NM_001318031.2); short protein forms R831*, R394*.
Identifiers: ClinVar variation 381683 (VCV000381683.7), dbSNP rs1057521145, ClinGen allele CA16609047.
Genomic context (GRCh38, chr20:51,789,112, plus strand): 5'-ATGTCGAGGGTCCCACAAATGTGCCAGGAACTTCAACCTTGACATAGGTCGGCGGGGCTC[G>A]GATAAACGTGGAAGGGAGACTGCTCCGACCTAGTACACAGAGGGGAAAAAAGCCAGACCT-3'

ClinVar aggregate classification (germline): Pathogenic. Review status: criteria provided, multiple submitters, no conflicts (2 of 4 stars). 3 submissions from 3 submitters: Pathogenic (3). Last evaluated 2026-09-01.

Conditions:
Duane-radial ray syndrome (DRRS). Also called: Okihiro Syndrome; Duane-Radial Ray Syndrome (DRRS) / Okihiro Syndrome; Duane-Radial Ray Syndrome/Okihiro Syndrome; ACRORENOOCULAR SYNDROME; DR SYNDROME; DUANE ANOMALY WITH RADIAL RAY ABNORMALITIES AND DEAFNESS. Identifiers: Orphanet 93293, Orphanet 959, MedGen C1623209, MONDO:0011812, OMIM 607323. Disease mechanism: gain of function.

Submissions (3):

CeGaT Center for Human Genetics Tuebingen
Classification: Pathogenic. Last evaluated: 2026-09-01. Review status: criteria provided, single submitter. Criteria: CeGaT Center For Human Genetics Tuebingen Variant Classification Criteria Version 2. Collection method: clinical testing. Allele origin: germline. Affected: yes. Observed: 1 variant allele.
Comment: SALL4: PVS1, PM2, PS4:Moderate, PP4

GeneDx
Classification: Pathogenic. Last evaluated: 2025-03-19. Review status: criteria provided, single submitter. Criteria: GeneDx Variant Classification Process June 2021. Collection method: clinical testing. Allele origin: germline. Affected: yes.
Comment: Nonsense variant predicted to result in protein truncation or nonsense mediated decay in a gene for which loss of function is a known mechanism of disease; Not observed at significant frequency in large population cohorts (gnomAD); This variant is associated with the following publications: (PMID: 25525159, 15286162)

Clinical Biomedical Laboratory, Shriners Hospital For Children - Canada
Classification: Pathogenic for Duane-radial ray syndrome. Review status: criteria provided, single submitter. Criteria: ACMG Guidelines, 2015. Collection method: clinical testing. Allele origin: germline. Affected: yes.
Comment: This variant is predicted to substitute an arginine residue by a stop codon. This is expected to lead to degradation of the affected transcript and loss of function of the affected allele. This variant is absent from the Genome Aggregation Database (v2.1.1.), indicating it is very rare. This variant has been reported in the literature (PMID 15286162). Based on the ACMG variant interpretation guidelines (criteria: PVS1, PM2, PP4, PP5), the available evidence supports classification of this variant as pathogenic.